The following is an entry in ClinVar:

NM_020975.6(RET):c.10_15dup (p.Thr5_Ser6insAlaThr)

Genes: RET (ret proto-oncogene; plus strand), LOC106736614 (RET 5' regulatory region; plus strand). Cytogenetic location: 10q11.21.
Variant type: Duplication.
Coding change: c.10_15dup on transcript NM_020975.6 (MANE Select); coding-DNA positions 10 to 15, 6 bases duplicated (GCGACG; older notation c.10_15dupGCGACG).
Protein change: p.Thr5_Ser6insAlaThr.
Molecular consequence: inframe indel (on NM_020975.4).
Genome position (GRCh38, 1-based): chr10:43,077,268-43,077,273, GCGACG duplicated; duplicating any 6 consecutive bases within chr10:43,077,267-43,077,273 gives the same sequence; the c. name uses the placement nearest the transcript's 3' end. VCF-style (leftmost placement, unchanged base first): chr10-43077266-A-AGGCGAC. GRCh37 (hg19) VCF-style: chr10-43572714-A-AGGCGAC.
Other names: c.10_15dupGCGACG (NM_020975.4); c.10_15dup, p.Thr5_Ser6insAlaThr (NM_001406743.1, NM_001406744.1, NM_001406759.1 and 36 more transcripts).
Identifiers: ClinVar variation 3944682 (VCV003944682.1).

ClinVar aggregate classification (germline): Uncertain significance (1 of 4 stars; one submission).

Conditions:
Hereditary cancer-predisposing syndrome. Also called: Tumor predisposition; Hereditary neoplastic syndrome; Hereditary Cancer Syndrome; Neoplastic Syndromes, Hereditary. Identifiers: Orphanet 140162, MedGen C0027672, MeSH D009386, MONDO:0015356.

Submission:

Ambry Genetics
Classification: Uncertain significance for Hereditary cancer-predisposing syndrome. Last evaluated: 2025-04-16. Review status: criteria provided, single submitter. Criteria: Ambry Variant Classification Scheme 2023. Collection method: clinical testing. Allele origin: germline.
Comment: The c.10_15dupGCGACG variant (also known as p.A4_T5dup), located in coding exon 1 of the RET gene, results from an in-frame duplication of GCGACG at nucleotide positions 10 to 15. This results in the duplication of 2 extra residues (AT) between codons 4 and 5. These amino acid positions are not well conserved in available vertebrate species. In addition, this alteration is predicted to be neutral by in silico analysis (Choi Y et al. PLoS ONE. 2012; 7(10):e46688). Based on the available evidence, the clinical significance of this variant remains unclear.